The following is an entry in ClinVar:

ClinVar aggregate classification (germline): Uncertain significance (1 of 4 stars; one submission).

Conditions:
Cardiovascular phenotype. Identifiers: MedGen CN230736.
Hereditary cancer-predisposing syndrome. Also called: Hereditary neoplastic syndrome; Neoplastic Syndromes, Hereditary; Tumor predisposition; Hereditary Cancer Syndrome. Identifiers: Orphanet 140162, MedGen C0027672, MeSH D009386, MONDO:0015356.

Submission:

Ambry Genetics
Classification: Uncertain significance for Cardiovascular phenotype; Hereditary cancer-predisposing syndrome. Last evaluated: 2025-08-30. Review status: criteria provided, single submitter. Criteria: Ambry Variant Classification Scheme 2023. Collection method: clinical testing. Allele origin: germline.
Comment: The p.L2709P variant (also known as c.8126T>C), located in coding exon 56 of the NF1 gene, results from a T to C substitution at nucleotide position 8126. The leucine at codon 2709 is replaced by proline, an amino acid with similar properties. This amino acid position is conserved. In addition, the in silico prediction for this alteration is inconclusive. Based on the available evidence, the clinical significance of this variant remains unclear.

NM_001042492.3(NF1):c.8189T>C (p.Leu2730Pro)

Gene: NF1 (neurofibromin 1; plus strand). Cytogenetic location: 17q11.2.
Variant type: single nucleotide variant.
Coding change: c.8189T>C on transcript NM_001042492.3 (MANE Select); coding-DNA position 8189, T replaced by C.
Protein change: p.Leu2730Pro; replaces leucine 2730 with proline.
Molecular consequence: missense variant.
Genome position (GRCh38, 1-based): chr17:31,360,515, T>C. VCF-style: chr17-31360515-T-C. GRCh37 (hg19) VCF-style: chr17-29687533-T-C.
Other names: c.8126T>C, p.Leu2709Pro (NM_000267.4); short protein forms L2709P, L2730P.
Identifiers: ClinVar variation 4119178 (VCV004119178.1).